The following is an entry in ClinVar:

ClinVar aggregate classification (germline): Uncertain significance. Review status: criteria provided, multiple submitters, no conflicts (2 of 4 stars). 3 submissions from 3 submitters: Uncertain significance (3). Last evaluated 2025-10-27.

Conditions:
Cardiomyopathy (CMYO). Also called: Cardiomyopathies. Identifiers: Orphanet 167848, MedGen C0878544, MONDO:0004994, HP:0001638. Inheritance: Various modes of inheritance.
Hypertrophic cardiomyopathy. Also called: HYPERTROPHIC MYOCARDIOPATHY. Identifiers: Orphanet 217569, MedGen C0007194, MeSH D002312, MONDO:0005045, HP:0001639.

Submissions (3):

Labcorp Genetics (formerly Invitae), Labcorp
Classification: Uncertain significance for Hypertrophic cardiomyopathy. Last evaluated: 2025-10-27. Review status: criteria provided, single submitter. Criteria: Invitae Variant Classification Sherloc (09022015). Collection method: clinical testing. Allele origin: germline.
Comment: This sequence change replaces proline, which is neutral and non-polar, with glutamine, which is neutral and polar, at codon 108 of the MYBPC3 protein (p.Pro108Gln). This variant is present in population databases (no rsID available, gnomAD 0.0008%). This variant has not been reported in the literature in individuals affected with MYBPC3-related conditions. ClinVar contains an entry for this variant (Variation ID: 927355). An algorithm developed to predict the effect of missense changes on protein structure and function (PolyPhen-2) suggests that this variant is likely to be tolerated. In summary, the available evidence is currently insufficient to determine the role of this variant in disease. Therefore, it has been classified as a Variant of Uncertain Significance.

Women's Health and Genetics/Laboratory Corporation of America, LabCorp
Classification: Uncertain significance. Last evaluated: 2024-06-13. Review status: criteria provided, single submitter. Criteria: LabCorp Variant Classification Summary - May 2015. Collection method: clinical testing. Allele origin: germline.
Comment: Variant summary: MYBPC3 c.323_324delinsAG (p.Pro108Gln) results in a non-conservative amino acid change in the encoded protein sequence. Three of four in-silico tools predict a damaging effect of the variant on protein function. The variant allele was found at a frequency of 7.8e-06 in 128592 control chromosomes. The available data on variant occurrences in the general population are insufficient to allow any conclusion about variant significance. To our knowledge, no occurrence of c.323_324delinsAG in individuals affected with MYBPC3-related conditions and no experimental evidence demonstrating its impact on protein function have been reported. ClinVar contains an entry for this variant (Variation ID: 927355). Based on the evidence outlined above, the variant was classified as uncertain significance.

Color Diagnostics, LLC DBA Color Health
Classification: Uncertain significance for Cardiomyopathy. Last evaluated: 2023-12-04. Review status: criteria provided, single submitter. Criteria: ACMG Guidelines, 2015. Collection method: clinical testing. Allele origin: germline.
Comment: This missense variant replaces proline with glutamine at codon 108 of the MYBPC3 protein. Computational prediction is inconclusive regarding the impact of this variant on protein structure and function. Splice site prediction tools suggest that this variant may not impact RNA splicing. To our knowledge, functional studies have not been performed for this variant. This variant has not been reported in individuals affected with cardiovascular disorders in the literature. This variant has not been identified in the general population by the Genome Aggregation Database (gnomAD). The available evidence is insufficient to determine the role of this variant in disease conclusively. Therefore, this variant is classified as a Variant of Uncertain Significance.

NM_000256.3(MYBPC3):c.323_324inv (p.Pro108Gln)

Gene: MYBPC3 (myosin binding protein C3; minus strand). Cytogenetic location: 11p11.2.
Variant type: Inversion.
Coding change: c.323_324inv on transcript NM_000256.3 (MANE Select).
Protein change: p.Pro108Gln; replaces proline 108 with glutamine.
Molecular consequence: missense variant.
Genome position: GRCh38 VCF-style: chr11-47350584-AG-CT. GRCh37 (hg19) VCF-style: chr11-47372135-AG-CT.
Other names: c.323_324delinsAG (NM_000256.3); short protein forms P108Q.
Identifiers: ClinVar variation 927355 (VCV000927355.11), ClinGen allele CA1139661946.